The following is an entry in ClinVar:

NM_000264.5(PTCH1):c.4178C>G (p.Pro1393Arg)

Gene: PTCH1 (patched 1; minus strand). Cytogenetic location: 9q22.32.
Variant type: single nucleotide variant.
Coding change: c.4178C>G on transcript NM_000264.5 (MANE Select); coding-DNA position 4178, C replaced by G.
Protein change: p.Pro1393Arg; replaces proline 1393 with arginine.
Molecular consequence: missense variant. On other transcripts: non-coding transcript variant (1).
Genome position (GRCh38, 1-based): chr9:95,447,078, G>C on the plus strand (C>G on the coding strand, the complement: PTCH1 is on the minus strand). VCF-style: chr9-95447078-G-C. GRCh37 (hg19) VCF-style: chr9-98209360-G-C.
Other names: c.3980C>G, p.Pro1327Arg (NM_001083602.3); c.4175C>G, p.Pro1392Arg (NM_001083603.3); c.3725C>G, p.Pro1242Arg (NM_001083604.3, NM_001083605.3, NM_001083606.3 and 1 more transcripts); c.4022C>G, p.Pro1341Arg (NM_001354918.2); short protein forms P1327R, P1393R, P1242R, P1341R, P1392R.
Identifiers: ClinVar variation 453883 (VCV000453883.9), dbSNP rs1368334005, ClinGen allele CA374110172.

ClinVar aggregate classification (germline): Uncertain significance (1 of 4 stars; one submission).

Conditions:
Gorlin syndrome. Also called: Basal cell nevus syndrome; Nevoid Basal Cell Carcinoma Syndrome. Identifiers: Orphanet 377, MedGen C0004779, MONDO:0007187.

Allele frequency attached by ClinVar (database versions not stated): gnomAD 0.00001.
gnomAD v4.1: 1 of 1,613,914 alleles (0.000062%); highest among the groups gnomAD compares: Non-Finnish European, 0.000085%; no homozygotes.

Submission:

Labcorp Genetics (formerly Invitae), Labcorp
Classification: Uncertain significance for Gorlin syndrome. Last evaluated: 2017-02-28. Review status: criteria provided, single submitter. Criteria: Invitae Variant Classification Sherloc (09022015). Collection method: clinical testing. Allele origin: germline.
Comment: In summary, this variant is a novel missense change with uncertain impact on protein function. It has been classified as a Variant of Uncertain Significance. Algorithms developed to predict the effect of missense changes on protein structure and function do not agree on the potential impact of this missense change (SIFT: "Deleterious"; PolyPhen-2: "Benign"; Align-GVGD: "Class C0"). This variant is not present in population databases (ExAC no frequency) and has not been reported in the literature in individuals with a PTCH1-related disease. This sequence change replaces proline with arginine at codon 1393 of the PTCH1 protein (p.Pro1393Arg). The proline residue is weakly conserved and there is a moderate physicochemical difference between proline and arginine.